The following is an entry in ClinVar:

NM_001386135.1(AFF3):c.2779G>A (p.Gly927Ser)

Gene: AFF3 (ALF transcription elongation factor 3; minus strand). Cytogenetic location: 2q11.2.
Variant type: single nucleotide variant.
Coding change: c.2779G>A on transcript NM_001386135.1 (MANE Select); coding-DNA position 2779, G replaced by A.
Protein change: p.Gly927Ser; replaces glycine 927 with serine.
Molecular consequence: missense variant.
Genome position (GRCh38, 1-based): chr2:99,582,812, C>T on the plus strand (G>A on the coding strand, the complement: AFF3 is on the minus strand). VCF-style: chr2-99582812-C-T. GRCh37 (hg19) VCF-style: chr2-100199274-C-T.
Other names: c.2854G>A (NM_001025108.1); c.2854G>A, p.Gly952Ser (NM_001025108.2); c.2779G>A, p.Gly927Ser (NM_002285.3); short protein forms G927S, G952S.
Identifiers: ClinVar variation 2651186 (VCV002651186.26), dbSNP rs199884902, ClinGen allele CA1800795.

ClinVar aggregate classification (germline): Conflicting classifications of pathogenicity. Review status: criteria provided, conflicting classifications (1 of 4 stars). 3 submissions from 3 submitters: Uncertain significance (1); Likely benign (2). Last evaluated 2024-10-08.

Conditions:
Inborn genetic diseases. Identifiers: MedGen C0950123, MeSH D030342.

Allele frequency attached by ClinVar (database versions not stated): 1000 Genomes Project 30x 0.00016; 1000 Genomes Project 0.00020.
gnomAD v4.1: 47 of 1,614,084 alleles (0.0029%); highest among the groups gnomAD compares: East Asian, 0.029%; no homozygotes.

Submissions (3):

Blueprint Genetics
Classification: Likely benign. Last evaluated: 2024-10-08. Review status: criteria provided, single submitter. Criteria: ACMG Guidelines, 2015. Collection method: clinical testing. Allele origin: germline.

Ambry Genetics
Classification: Uncertain significance for Inborn genetic diseases. Last evaluated: 2024-01-31. Review status: criteria provided, single submitter. Criteria: Ambry Variant Classification Scheme 2023. Collection method: clinical testing. Allele origin: germline.

CeGaT Center for Human Genetics Tuebingen
Classification: Likely benign. Last evaluated: 2023-02-01. Review status: criteria provided, single submitter. Criteria: CeGaT Center For Human Genetics Tuebingen Variant Classification Criteria Version 2. Collection method: clinical testing. Allele origin: germline. Affected: yes. Observed: 1 variant allele.
Comment: AFF3: BP4